The following is an entry in ClinVar:

NM_004260.4(RECQL4):c.1958C>A (p.Ala653Glu)

Gene: RECQL4 (RecQ like helicase 4; minus strand). Cytogenetic location: 8q24.3.
Variant type: single nucleotide variant.
Coding change: c.1958C>A on transcript NM_004260.4 (MANE Select); coding-DNA position 1958, C replaced by A.
Protein change: p.Ala653Glu; replaces alanine 653 with glutamic acid.
Molecular consequence: missense variant. On other transcripts: non-coding transcript variant (3).
Genome position (GRCh38, 1-based): chr8:144,514,028, G>T on the plus strand (C>A on the coding strand, the complement: RECQL4 is on the minus strand). VCF-style: chr8-144514028-G-T. GRCh37 (hg19) VCF-style: chr8-145739412-G-T.
Other names: c.1862C>A, p.Ala621Glu (NM_001413017.1, NM_001413020.1); c.1958C>A, p.Ala653Glu (NM_001413018.1, NM_001413019.1, NM_001413036.1); c.821C>A, p.Ala274Glu (NM_001413032.1, NM_001413041.1, NM_001413027.1 and 1 more transcripts); c.1826C>A, p.Ala609Glu (NM_001413033.1); c.887C>A, p.Ala296Glu (NM_001413034.1, NM_001413035.1, NM_001413038.1 and 6 more transcripts); c.755C>A, p.Ala252Glu (NM_001413037.1); c.1928C>A, p.Ala643Glu (NM_001413039.1); c.857C>A, p.Ala286Glu (NM_001413042.1); and 4 more; short protein forms A230E, A252E, A653E, A164E, A296E, A536E, A609E, A610E.
Identifiers: ClinVar variation 3707031 (VCV003707031.2).

ClinVar aggregate classification (germline): Uncertain significance (1 of 4 stars; one submission).

Conditions:
Baller-Gerold syndrome (BGS). Also called: CRANIOSYNOSTOSIS WITH RADIAL DEFECTS. Identifiers: Orphanet 1225, MedGen C0265308, MONDO:0009039, OMIM 218600.

Submission:

Labcorp Genetics (formerly Invitae), Labcorp
Classification: Uncertain significance for Baller-Gerold syndrome. Last evaluated: 2024-10-13. Review status: criteria provided, single submitter. Criteria: Invitae Variant Classification Sherloc (09022015). Collection method: clinical testing. Allele origin: germline.
Comment: This sequence change replaces alanine, which is neutral and non-polar, with glutamic acid, which is acidic and polar, at codon 653 of the RECQL4 protein (p.Ala653Glu). This variant is not present in population databases (gnomAD no frequency). This variant has not been reported in the literature in individuals affected with RECQL4-related conditions. Invitae Evidence Modeling of protein sequence and biophysical properties (such as structural, functional, and spatial information, amino acid conservation, physicochemical variation, residue mobility, and thermodynamic stability) indicates that this missense variant is expected to disrupt RECQL4 protein function with a positive predictive value of 80%. In summary, the available evidence is currently insufficient to determine the role of this variant in disease. Therefore, it has been classified as a Variant of Uncertain Significance.